The following is an entry in ClinVar:

NM_001258392.3(CLPB):c.31G>A (p.Ala11Thr)

Genes: CLPB (ClpB family mitochondrial disaggregase; minus strand), LOC130006336 (ATAC-STARR-seq lymphoblastoid active region 5191; plus strand). Cytogenetic location: 11q13.4.
Variant type: single nucleotide variant.
Coding change: c.31G>A on transcript NM_001258392.3 (MANE Select); coding-DNA position 31, G replaced by A.
Protein change: p.Ala11Thr; replaces alanine 11 with threonine.
Molecular consequence: missense variant. On other transcripts: 5 prime UTR variant (1).
Genome position (GRCh38, 1-based): chr11:72,434,444, C>T on the plus strand (G>A on the coding strand, the complement: CLPB is on the minus strand). VCF-style: chr11-72434444-C-T. GRCh37 (hg19) VCF-style: chr11-72145488-C-T.
Other names: c.31G>A, p.Ala11Thr (NM_001258393.3, NM_030813.6); c.-212G>A (NM_001258394.3); short protein forms A11T.
Identifiers: ClinVar variation 3377209 (VCV003377209.1).
Genomic context (GRCh38, chr11:72,434,444, plus strand): 5'-CTCCATGGCCCCGGAGCGTTGGGGACCTGAGCAGCCGGAGGAGTAGCCGTGGCGCCAGTG[C>T]TTTTCTCCTCAACACCAGGGACCCCAGCATCTTGACAGCTGCTTCGATAACCCCGTGGTG-3'
Protein context (NP_001245321.1, residues 1-21): MLGSLVLRRK[Ala11Thr]LAPRLLLRLL

ClinVar aggregate classification (germline): Uncertain significance (1 of 4 stars; one submission).

Conditions:
3-methylglutaconic aciduria, type VIIB (MGCA7B). Also called: 3-methylglutaconic aciduria, type VII, with cataracts, neurologic involvement and neutropenia; CLPB Deficiency; 3-methylglutaconic aciduria with cataracts, neurologic involvement and neutropenia. Identifiers: Orphanet 445038, MedGen C5676893, MONDO:0014561, OMIM 616271.

gnomAD v4.1: 2 of 1,570,982 alleles (0.00013%); highest among the groups gnomAD compares: East Asian, 0.0023%; no homozygotes.

Submission:

Victorian Clinical Genetics Services, Murdoch Childrens Research Institute
Classification: Uncertain significance for 3-methylglutaconic aciduria, type VIIB. Last evaluated: 2024-10-09. Review status: criteria provided, single submitter. Criteria: ACMG Guidelines, 2015. Collection method: clinical testing. Allele origin: germline. Inheritance: Autosomal recessive inheritance.
Comment: Based on the classification scheme VCGS_Germline_v1.3.5, this variant is classified as VUS-3B. Following criteria are met: 0103 - Dominant negative and loss of function are known mechanisms of disease in this gene. Missense and premature termination codon variants in this gene causing loss of function are associated with autosomal recessive 3-methylglutaconic aciduria, type VIIB (MIM#616271) (PMID: 25597510). Missense variants in the AAA domain causing a dominant negative effect are associated with autosomal dominant 3-methylglutaconic aciduria, type VIIA (MIM#619835) and autosomal dominant severe congenital neutropenia 9 (MIM#619813) (PMIDs: 34140661, 34115842). (I) 0108 - This gene is associated with both recessive and dominant disease (OMIM, PMIDs: 25597510, 34140661). (I) 0115 - Variants in this gene are known to have variable expressivity. 3-methylglutaconic aciduria is typically associated with a severe infantile onset phenotype with progressive encephalopathy and delayed development, although rare patients with normal neurologic development have been reported (PMIDs: 25597510, 34140661). Individuals with severe congenital neutropenia present with isolated severe neutropenia with few, if any, of the non-hematopoietic features associated with the above conditions, including the 3-MGA-uria biomarker (PMID: 34115842). (I) 0200 - Variant is predicted to result in a missense amino acid change from alanine to threonine. (I) 0251 - This variant is heterozygous. (I) 0304 - Variant is present in gnomAD <0.01 (v4: 2 heterozygotes, 0 homozygotes). (SP) 0309 - Multiple alternative amino acid changes at the same position has been observed in gnomAD (v4) (highest allele count: 1 heterozygote, 0 homozygotes). (I) 0503 - Missense variant consistently predicted to be tolerated by multiple in silico tools or not conserved in placental mammals with a minor amino acid change. (SB) 0604 - Variant is not located in an established domain, motif, hotspot or informative constraint region. (I) 0705 - No comparable missense variants have previous evidence for pathogenicity. (I) 0807 - This variant has no previous evidence of pathogenicity. (I) 0905 - No published segregation evidence has been identified for this variant. (I) 1007 - No published functional evidence has been identified for this variant. (I) Legend: (SP) - Supporting pathogenic, (I) - Information, (SB) - Supporting benign

Literature cited by the submitters: PubMed 25597510; PubMed 34115842; PubMed 34140661.